The following is an entry in ClinVar:

ClinVar aggregate classification (germline): Likely pathogenic (1 of 4 stars; one submission).

Conditions:
Ehlers-Danlos syndrome, kyphoscoliotic type, 2. Also called: FKBP14-Kyphoscoliotic Ehlers-Danlos Syndrome; Ehlers-Danlos syndrome with progressive kyphoscoliosis, myopathy, and hearing loss; Ehlers-Danlos syndrome, kyphoscoliotic and deafness type. Identifiers: Orphanet 300179, MedGen C3281160, MONDO:0013800, OMIM 614557.

Submission:

Broad Center for Mendelian Genomics, Broad Institute of MIT and Harvard
Classification: Likely pathogenic for Ehlers-Danlos syndrome, kyphoscoliotic type, 2. Last evaluated: 2018-11-15. Review status: criteria provided, single submitter. Criteria: ACMG Guidelines, 2015. Collection method: research. Allele origin: germline. Inheritance: Autosomal recessive inheritance. Affected: yes.
Comment: This variant was absent from large population studies. This variant is predicted to cause a frameshift, which alters the protein's amino acid sequence beginning at position 69 and leads to a premature termination codon 49 amino acids downstream. This alteration is then predicted to lead to a truncated or absent protein. Loss of function of the FKBP14 gene is an established disease mechanism in autosomal recessive Ehlers-Danlos Syndrome with Progressive Kyphoscoliosis Myopathy, and this is a loss of function variant. In summary, although additional studies are required to fully establish its clinical significance, this variant is likely pathogenic.

NM_017946.4(FKBP14):c.207_208del (p.His69fs)

Genes: FKBP14-AS1 (FKBP14 antisense RNA 1; plus strand), FKBP14 (FKBP prolyl isomerase 14; minus strand). Cytogenetic location: 7p14.3.
Variant type: Deletion.
Coding change: c.207_208del on transcript NM_017946.4 (MANE Select); coding-DNA positions 207 to 208, 2 bases deleted (TA; older notation c.207_208delTA).
Protein change: p.His69fs; shifts the reading frame from histidine 69.
Molecular consequence: frameshift variant. On other transcripts: non-coding transcript variant (1).
Genome position (GRCh38, 1-based): chr7:30,022,806-30,022,807, TA deleted on the plus strand (TA on the coding strand, the reverse complement: FKBP14 is on the minus strand); deleting any 2 consecutive bases within chr7:30,022,806-30,022,808 gives the same sequence; the c. name uses the placement nearest the transcript's 3' end. VCF-style (leftmost placement, unchanged base first): chr7-30022805-TTA-T. GRCh37 (hg19) VCF-style: chr7-30062421-TTA-T.
Other names: short protein forms H69fs.
Identifiers: ClinVar variation 800533 (VCV000800533.1), dbSNP rs1583734485, ClinGen allele CA658795325.
Genomic context (GRCh38, chr7:30,022,805, plus strand): 5'-TGGTCCCAACCTTTGAGAGCCTCCAGGATGCCCAGGGTAAACCAAATGGGCTGACCATTG[TTA>T]TGTTTGTGACTATGATAGAAATAAAACACATTAGAACTCCTTATTAACTCTAAAAAATTT-3'